The following is an entry in ClinVar:

NM_016151.4(TAOK2):c.1013A>G (p.Tyr338Cys)

Gene: TAOK2 (TAO kinase 2; plus strand). Cytogenetic location: 16p11.2.
Variant type: single nucleotide variant.
Coding change: c.1013A>G on transcript NM_016151.4 (MANE Select); coding-DNA position 1013, A replaced by G.
Protein change: p.Tyr338Cys; replaces tyrosine 338 with cysteine.
Molecular consequence: missense variant.
Genome position (GRCh38, 1-based): chr16:29,983,085, A>G. VCF-style: chr16-29983085-A-G. GRCh37 (hg19) VCF-style: chr16-29994406-A-G.
Other names: c.1013A>G, p.Tyr338Cys (NM_001252043.2, NM_004783.4); short protein forms Y338C.
Identifiers: ClinVar variation 4775760 (VCV004775760.1).

ClinVar aggregate classification (germline): Uncertain significance (1 of 4 stars; one submission).

gnomAD v4.1: 2 of 1,613,996 alleles (0.00012%); highest among the groups gnomAD compares: Non-Finnish European, 0.00017%; no homozygotes.

Submission:

Labcorp Genetics (formerly Invitae), Labcorp
Classification: Uncertain significance. Last evaluated: 2025-08-03. Review status: criteria provided, single submitter. Criteria: Invitae Variant Classification Sherloc (09022015). Collection method: clinical testing. Allele origin: germline.
Comment: This sequence change replaces tyrosine, which is neutral and polar, with cysteine, which is neutral and slightly polar, at codon 338 of the TAOK2 protein (p.Tyr338Cys). This variant is not present in population databases (gnomAD no frequency). This variant has not been reported in the literature in individuals affected with TAOK2-related conditions. An algorithm developed to predict the effect of missense changes on protein structure and function (PolyPhen-2) suggests that this variant is likely to be disruptive. In summary, the available evidence is currently insufficient to determine the role of this variant in disease. Therefore, it has been classified as a Variant of Uncertain Significance.